The following is an entry in ClinVar:

NM_004628.5(XPC):c.2251-12_2251-8delinsAACCG

Gene: XPC (XPC complex subunit, DNA damage recognition and repair factor; minus strand). Cytogenetic location: 3p25.1.
Variant type: Indel.
Coding change: c.2251-12_2251-8delinsAACCG on transcript NM_004628.5 (MANE Select); 12 bases into the intron before coding-DNA position 2251 through 8 bases into the intron before coding-DNA position 2251, CACCC replaced by AACCG.
Molecular consequence: intron variant.
Genome position (GRCh38, 1-based): chr3:14,148,739-14,148,743, GGGTG replaced by CGGTT on the plus strand (CACCC replaced by AACCG on the coding strand, the reverse complement: XPC is on the minus strand). VCF-style: chr3-14148739-GGGTG-CGGTT. GRCh37 (hg19) VCF-style: chr3-14190239-GGGTG-CGGTT.
Other names: c.2233-12_2233-8delinsAACCG (NM_001354729.2); c.1672-12_1672-8delinsAACCG (NM_001354726.2); c.2005-12_2005-8delinsAACCG (NM_001354730.2); c.2245-12_2245-8delinsAACCG (NM_001354727.2).
Identifiers: ClinVar variation 1810492 (VCV001810492.1), dbSNP rs2470226413, ClinGen allele CA2580068491.

ClinVar aggregate classification (germline): Uncertain significance (1 of 4 stars; one submission).

Submission:

GeneDx
Classification: Uncertain significance. Last evaluated: 2022-07-05. Review status: criteria provided, single submitter. Criteria: GeneDx Variant Classification Process June 2021. Collection method: clinical testing. Allele origin: germline. Affected: yes.
Comment: Not observed at significant frequency in large population cohorts (gnomAD); In silico analysis supports a deleterious effect on splicing; Has not been previously published as pathogenic or benign to our knowledge